The following is an entry in ClinVar:

NM_022765.4(MICAL1):c.2797C>T (p.Arg933Trp)

Gene: MICAL1 (microtubule associated monooxygenase, calponin and LIM domain containing 1; minus strand). Cytogenetic location: 6q21.
Variant type: single nucleotide variant.
Coding change: c.2797C>T on transcript NM_022765.4 (MANE Select); coding-DNA position 2797, C replaced by T.
Protein change: p.Arg933Trp; replaces arginine 933 with tryptophan.
Molecular consequence: missense variant.
Genome position (GRCh38, 1-based): chr6:109,445,281, G>A on the plus strand (C>T on the coding strand, the complement: MICAL1 is on the minus strand). VCF-style: chr6-109445281-G-A. GRCh37 (hg19) VCF-style: chr6-109766484-G-A.
Other names: c.2539C>T, p.Arg847Trp (NM_001159291.2); c.2854C>T, p.Arg952Trp (NM_001286613.2); short protein forms R952W, R933W, R847W.
Identifiers: ClinVar variation 3715253 (VCV003715253.2).

ClinVar aggregate classification (germline): Uncertain significance (1 of 4 stars; one submission).

gnomAD v4.1: 7 of 1,613,982 alleles (0.00043%); highest among the groups gnomAD compares: South Asian, 0.0011%; no homozygotes.

Submission:

Labcorp Genetics (formerly Invitae), Labcorp
Classification: Uncertain significance. Last evaluated: 2024-11-26. Review status: criteria provided, single submitter. Criteria: Invitae Variant Classification Sherloc (09022015). Collection method: clinical testing. Allele origin: germline.
Comment: This sequence change replaces arginine, which is basic and polar, with tryptophan, which is neutral and slightly polar, at codon 952 of the MICAL1 protein (p.Arg952Trp). This variant is present in population databases (rs143674381, gnomAD 0.0009%). This variant has not been reported in the literature in individuals affected with MICAL1-related conditions. An algorithm developed to predict the effect of missense changes on protein structure and function (PolyPhen-2) suggests that this variant is likely to be disruptive. In summary, the available evidence is currently insufficient to determine the role of this variant in disease. Therefore, it has been classified as a Variant of Uncertain Significance.